The following is an entry in ClinVar:

NM_005121.3(MED13):c.2851C>A (p.Leu951Ile)

Gene: MED13 (mediator complex subunit 13; minus strand). Cytogenetic location: 17q23.2.
Variant type: single nucleotide variant.
Coding change: c.2851C>A on transcript NM_005121.3 (MANE Select); coding-DNA position 2851, C replaced by A.
Protein change: p.Leu951Ile; replaces leucine 951 with isoleucine.
Molecular consequence: missense variant.
Genome position (GRCh38, 1-based): chr17:61,984,208, G>T on the plus strand (C>A on the coding strand, the complement: MED13 is on the minus strand). VCF-style: chr17-61984208-G-T. GRCh37 (hg19) VCF-style: chr17-60061569-G-T.
Other names: short protein forms L951I.
Identifiers: ClinVar variation 3360910 (VCV003360910.1).

ClinVar aggregate classification (germline): Uncertain significance (1 of 4 stars; one submission).

gnomAD v4.1: 6 of 1,601,686 alleles (0.00037%); highest among the groups gnomAD compares: Middle Eastern, 0.017%; no homozygotes.

Submission:

GeneDx
Classification: Uncertain significance. Last evaluated: 2023-07-11. Review status: criteria provided, single submitter. Criteria: GeneDx Variant Classification Process June 2021. Collection method: clinical testing. Allele origin: germline. Affected: yes.
Comment: Not observed at significant frequency in large population cohorts (gnomAD); In silico analysis supports that this missense variant does not alter protein structure/function; Has not been previously published as pathogenic or benign to our knowledge